The following is an entry in ClinVar:

ClinVar aggregate classification (germline): Uncertain significance (1 of 4 stars; one submission).

Allele frequency attached by ClinVar (database versions not stated): gnomAD exomes below 0.00001.
gnomAD v4.1: 1 of 1,614,042 alleles (0.000062%); highest among the groups gnomAD compares: Non-Finnish European, 0.000085%; no homozygotes.

Submission:

CeGaT Center for Human Genetics Tuebingen
Classification: Uncertain significance. Last evaluated: 2023-08-01. Review status: criteria provided, single submitter. Criteria: CeGaT Center For Human Genetics Tuebingen Variant Classification Criteria Version 2. Collection method: clinical testing. Allele origin: germline. Affected: yes. Observed: 1 variant allele.
Comment: MASTL: PM2, BP4

NM_001172303.3(MASTL):c.277A>G (p.Ile93Val)

Gene: MASTL (microtubule associated serine/threonine kinase like; plus strand). Cytogenetic location: 10p12.1.
Variant type: single nucleotide variant.
Coding change: c.277A>G on transcript NM_001172303.3 (MANE Select); coding-DNA position 277, A replaced by G.
Protein change: p.Ile93Val; replaces isoleucine 93 with valine.
Molecular consequence: missense variant. On other transcripts: 5 prime UTR variant (2), non-coding transcript variant (1).
Genome position (GRCh38, 1-based): chr10:27,158,639, A>G. VCF-style: chr10-27158639-A-G. GRCh37 (hg19) VCF-style: chr10-27447568-A-G.
Other names: c.277A>G, p.Ile93Val (NM_001172304.3, NM_001320756.2, NM_001320757.2 and 1 more transcripts); c.-327A>G (NM_001372029.1, NM_001372030.1); short protein forms I93V.
Identifiers: ClinVar variation 2640376 (VCV002640376.24), dbSNP rs2539569721, ClinGen allele CA376379899.
Genomic context (GRCh38, chr10:27,158,639, plus strand): 5'-AATATGACTCATCAGGTCCAAGCTGAGAGAGATGCACTGGCACTAAGCAAAAGCCCATTC[A>G]TTGTCCATTTGTATTATTCACTGCAGTCTGCAAACAATGTCTACTTGGTGAGTAAATAAT-3'
Protein context (NP_001165774.1, residues 83-103): DALALSKSPF[Ile93Val]VHLYYSLQSA